The following is an entry in ClinVar:

ClinVar aggregate classification (germline): Uncertain significance. Review status: criteria provided, multiple submitters, no conflicts (2 of 4 stars). 2 submissions from 2 submitters: Uncertain significance (2). Last evaluated 2024-04-15.

Conditions:
Inborn genetic diseases. Identifiers: MedGen C0950123, MeSH D030342.

Allele frequency attached by ClinVar (database versions not stated): gnomAD 0.00001.
gnomAD v4.1: 3 of 1,613,544 alleles (0.00019%); highest among the groups gnomAD compares: Admixed American, 0.0033%; no homozygotes.

Submissions (2):

GeneDx
Classification: Uncertain significance. Last evaluated: 2024-04-15. Review status: criteria provided, single submitter. Criteria: GeneDx Variant Classification Process June 2021. Collection method: clinical testing. Allele origin: germline. Affected: yes.
Comment: Has not been previously published as pathogenic or benign to our knowledge; Not observed at significant frequency in large population cohorts (gnomAD); In silico analysis indicates that this missense variant does not alter protein structure/function

Ambry Genetics
Classification: Uncertain significance for Inborn genetic diseases. Last evaluated: 2023-10-19. Review status: criteria provided, single submitter. Criteria: Ambry Variant Classification Scheme 2023. Collection method: clinical testing. Allele origin: germline.
Comment: The p.V797I variant (also known as c.2389G>A), located in coding exon 16 of the MIB1 gene, results from a G to A substitution at nucleotide position 2389. The valine at codon 797 is replaced by isoleucine, an amino acid with highly similar properties. This amino acid position is conserved. In addition, this alteration is predicted to be tolerated by in silico analysis. Since supporting evidence is limited at this time, the clinical significance of this alteration remains unclear.

NM_020774.4(MIB1):c.2389G>A (p.Val797Ile)

Gene: MIB1 (MIB E3 ubiquitin protein ligase 1; plus strand). Cytogenetic location: 18q11.2.
Variant type: single nucleotide variant.
Coding change: c.2389G>A on transcript NM_020774.4 (MANE Select); coding-DNA position 2389, G replaced by A.
Protein change: p.Val797Ile; replaces valine 797 with isoleucine.
Molecular consequence: missense variant.
Genome position (GRCh38, 1-based): chr18:21,847,121, G>A. VCF-style: chr18-21847121-G-A. GRCh37 (hg19) VCF-style: chr18-19427082-G-A.
Other names: short protein forms V797I.
Identifiers: ClinVar variation 3227418 (VCV003227418.2), dbSNP rs1215095754, ClinGen allele CA401795960.